The following is an entry in ClinVar:

NM_003108.4(SOX11):c.190C>T (p.Arg64Cys)

Gene: SOX11 (SRY-box transcription factor 11; plus strand). Cytogenetic location: 2p25.2.
Variant type: single nucleotide variant.
Coding change: c.190C>T on transcript NM_003108.4 (MANE Select); coding-DNA position 190, C replaced by T.
Protein change: p.Arg64Cys; replaces arginine 64 with cysteine.
Molecular consequence: missense variant.
Genome position (GRCh38, 1-based): chr2:5,692,911, C>T. VCF-style: chr2-5692911-C-T. GRCh37 (hg19) VCF-style: chr2-5833043-C-T.
Other names: c.190C>T (NM_003108.3); short protein forms R64C.
Identifiers: ClinVar variation 1705386 (VCV001705386.6), dbSNP rs1064794702, ClinGen allele CA345866144.
Genomic context (GRCh38, chr2:5,692,911, plus strand): 5'-ACGGCGTCGGGCCACATCAAGCGGCCGATGAACGCGTTCATGGTATGGTCCAAGATCGAA[C>T]GCAGGAAGATCATGGAGCAGTCTCCGGACATGCACAACGCCGAGATCTCCAAGAGGCTGG-3'
Protein context (NP_003099.1, residues 54-74): NAFMVWSKIE[Arg64Cys]RKIMEQSPDM

ClinVar aggregate classification (germline): Likely pathogenic. Review status: criteria provided, multiple submitters, no conflicts (2 of 4 stars). 4 submissions from 4 submitters: Likely pathogenic (3). 1 of the submissions does not count toward it. Last evaluated 2024-07-17.

Conditions:
SOX11-related disorder. Also called: SOX11-related condition.
Intellectual developmental disorder with microcephaly and with or without ocular malformations or hypogonadotropic hypogonadism. Also called: Coffin-Siris Syndrome 9; Intellectual disability, autosomal dominant 27. Identifiers: Orphanet 1465, MedGen C4014528, MONDO:0014376, OMIM 615866.

Submissions (4):

3billion
Classification: Likely pathogenic for Intellectual developmental disorder with microcephaly and with or without ocular malformations or hypogonadotropic hypogonadism. Last evaluated: 2024-07-17. Review status: criteria provided, single submitter. Criteria: ACMG Guidelines, 2015. Collection method: clinical testing. Allele origin: germline. Affected: yes.
Comment: The variant is not observed in the gnomAD v4.0.0 dataset. Predicted Consequence/Location: Missense changes are a common disease-causing mechanism. In silico tool predictions suggest damaging effect of the variant on gene or gene product [REVEL: 0.91 (>=0.6, sensitivity 0.68 and specificity 0.92); 3Cnet: 0.99 (>=0.6, sensitivity 0.72 and precision 0.9)]. The same nucleotide change resulting in the same amino acid change has been previously reported to be associated with SOX11 related disorder (ClinVar ID: VCV001705386 /PMID: 35341651).The variant has been previously reported as assumed (i.e. paternity and maternity not confirmed) de novo in at least one similarly affected unrelated individual (PMID: 35341651). Different missense changes at the same codon (p.Arg64Gly, p.Arg64His, p.Arg64Leu, p.Arg64Pro, p.Arg64Ser) have been reported as pathogenic/likely pathogenic with strong evidence (ClinVar ID: VCV000420790, VCV001344679, VCV002430907, VCV002443013, VCV002443015 /PMID: 31292255, 34490615, 35341651). Therefore, this variant is classified as Likely pathogenic according to the recommendation of ACMG/AMP guideline.

SIB Swiss Institute of Bioinformatics
Classification: Likely pathogenic for Intellectual developmental disorder with microcephaly and with or without ocular malformations or hypogonadotropic hypogonadism. Last evaluated: 2023-03-09. Review status: criteria provided, single submitter. Criteria: ACMG Guidelines, 2015. Collection method: curation. Allele origin: unknown.
Comment: This variant is interpreted as likely pathogenic for Intellectual developmental disorder with microcephaly and with or without ocular malformations or hypogonadotropic hypogonadism, autosomal dominant. The following ACMG Tag(s) were applied: Absent from controls (or at extremely low frequency if recessive) in Exome Sequencing Project, 1000 Genomes Project, or Exome Aggregation Consortium (PM2); Located in a mutational hot spot and/or critical and well-established functional domain (e.g., active site of an enzyme) without benign variation (PM1); Multiple lines of computational evidence support a deleterious effect on the gene or gene product (PP3); Assumed de novo, but no confirmation of paternity and maternity (PM6).

CENTOGENE GmbH and LLC - Guiding Precision Medicine
Classification: Likely pathogenic for Intellectual developmental disorder with microcephaly and with or without ocular malformations or hypogonadotropic hypogonadism. Last evaluated: 2017-02-14. Review status: criteria provided, single submitter. Criteria: ACMG Guidelines, 2015. Collection method: clinical testing. Allele origin: de novo. Affected: yes.

PreventionGenetics, part of Exact Sciences
Classification: Likely pathogenic for SOX11-related condition. Last evaluated: 2024-08-11. Review status: no assertion criteria provided. Collection method: clinical testing. Allele origin: germline. Not counted in ClinVar's aggregate classification.
Comment: The SOX11 c.190C>T variant is predicted to result in the amino acid substitution p.Arg64Cys. This variant has been reported as a de novo variant in an individual with a neurodevelopmental disorder (case 4 in Al-Jawahiri et al 2022. PubMed ID: 35341651). Of note, other missense variants affecting the same amino acid (p.Arg64Leu, p.Arg64Pro, p.Arg64Ser) have also been reported to be pathogenic for the neurodevelopmental disorder (HGMD; Al-Jawahiri et al 2022. PubMed ID: 35341651). This variant has not been reported in a large population database, indicating this variant is rare. This variant is interpreted as likely pathogenic.

Literature cited by the submitters: PubMed 31292255 (cited by 3billion); PubMed 35341651 (cited by 3billion and SIB Swiss Institute of Bioinformatics).